The following is an entry in ClinVar:

ClinVar aggregate classification (germline): Uncertain significance (1 of 4 stars; one submission).

Conditions:
Mitochondrial hypertrophic cardiomyopathy with lactic acidosis due to MTO1 deficiency. Also called: CARDIOMYOPATHY, INFANTILE HYPERTROPHIC MITOCHONDRIAL, AND LACTIC ACIDOSIS; Combined oxidative phosphorylation deficiency 10. Identifiers: Orphanet 314637, MedGen C4749921, MONDO:0013865, OMIM 614702.

Allele frequency attached by ClinVar (database versions not stated): gnomAD 0.00001; gnomAD exomes 0.00002; TOPMed below 0.00001; ExAC 0.00002.
gnomAD v4.1: 31 of 1,572,558 alleles (0.002%); highest among the groups gnomAD compares: African/African-American, 0.0027%; no homozygotes.

Submission:

Labcorp Genetics (formerly Invitae), Labcorp
Classification: Uncertain significance for Mitochondrial hypertrophic cardiomyopathy with lactic acidosis due to MTO1 deficiency. Last evaluated: 2022-05-27. Review status: criteria provided, single submitter. Criteria: Invitae Variant Classification Sherloc (09022015). Collection method: clinical testing. Allele origin: germline.
Comment: This sequence change disrupts the translational stop signal of the MTO1 mRNA. It is expected to extend the length of the MTO1 protein by 12 additional amino acid residues. This variant is present in population databases (rs770798772, gnomAD 0.004%). This variant has not been reported in the literature in individuals affected with MTO1-related conditions. Experimental studies and prediction algorithms are not available or were not evaluated, and the functional significance of this variant is currently unknown. In summary, the available evidence is currently insufficient to determine the role of this variant in disease. Therefore, it has been classified as a Variant of Uncertain Significance.

NM_012123.4(MTO1):c.2077T>C (p.Ter693Gln)

Gene: MTO1 (mitochondrial tRNA translation optimization 1; plus strand). Cytogenetic location: 6q13.
Variant type: single nucleotide variant.
Coding change: c.2077T>C on transcript NM_012123.4 (MANE Select); coding-DNA position 2077, T replaced by C.
Protein change: p.Ter693Gln.
Molecular consequence: stop lost.
Genome position (GRCh38, 1-based): chr6:73,500,733, T>C. VCF-style: chr6-73500733-T-C. GRCh37 (hg19) VCF-style: chr6-74210456-T-C.
Other names: c.2197T>C, p.Ter733Gln (NM_001123226.2); c.2152T>C, p.Ter718Gln (NM_133645.3).
Identifiers: ClinVar variation 1388870 (VCV001388870.3), dbSNP rs770798772, ClinGen allele CA3889822.